The following is an entry in ClinVar:

NM_176787.5(PIGN):c.16A>T (p.Thr6Ser)

Gene: PIGN (phosphatidylinositol glycan anchor biosynthesis class N; minus strand). Cytogenetic location: 18q21.33.
Variant type: single nucleotide variant.
Coding change: c.16A>T on transcript NM_176787.5 (MANE Select); coding-DNA position 16, A replaced by T.
Protein change: p.Thr6Ser; replaces threonine 6 with serine.
Molecular consequence: missense variant.
Genome position (GRCh38, 1-based): chr18:62,161,338, T>A on the plus strand (A>T on the coding strand, the complement: PIGN is on the minus strand). VCF-style: chr18-62161338-T-A. GRCh37 (hg19) VCF-style: chr18-59828571-T-A.
Other names: c.16A>T, p.Thr6Ser (NM_012327.6); short protein forms T6S.
Identifiers: ClinVar variation 1346815 (VCV001346815.6), dbSNP rs1231914665, ClinGen allele CA402604833.
Genomic context (GRCh38, chr18:62,161,338, plus strand): 5'-ATGTAAAATAAATGTCAAAGATGGAGGCGAAGAACACAAAATGTATAAGCAATCCCAAAG[T>A]AAAGAACAGCAGCATATCCAGTGTAACTAATTAGTCTTCAAGAACAGCTGAAAGAGAGAA-3'
Protein context (NP_789744.1, residues 1-16): MLLFF[Thr6Ser]LGLLIHFVFF

ClinVar aggregate classification (germline): Uncertain significance (1 of 4 stars; one submission).

Conditions:
Multiple congenital anomalies-hypotonia-seizures syndrome 1 (MCAHS1). Also called: PIGN-CDG; Congenital disorder of glycosylation due to PIGN deficiency; GLYCOSYLPHOSPHATIDYLINOSITOL BIOSYNTHESIS DEFECT 3. Identifiers: Orphanet 280633, MedGen C3279775, MONDO:0013563, OMIM 614080.

Allele frequency attached by ClinVar (database versions not stated): gnomAD exomes below 0.00001; gnomAD 0.00002; TOPMed 0.00002.
gnomAD v4.1: 5 of 1,611,502 alleles (0.00031%); highest among the groups gnomAD compares: African/African-American, 0.0053%; no homozygotes.

Submission:

Labcorp Genetics (formerly Invitae), Labcorp
Classification: Uncertain significance for Multiple congenital anomalies-hypotonia-seizures syndrome 1. Last evaluated: 2023-12-18. Review status: criteria provided, single submitter. Criteria: Invitae Variant Classification Sherloc (09022015). Collection method: clinical testing. Allele origin: germline.
Comment: This sequence change replaces threonine, which is neutral and polar, with serine, which is neutral and polar, at codon 6 of the PIGN protein (p.Thr6Ser). This variant is present in population databases (no rsID available, gnomAD 0.01%). This variant has not been reported in the literature in individuals affected with PIGN-related conditions. ClinVar contains an entry for this variant (Variation ID: 1346815). Advanced modeling of protein sequence and biophysical properties (such as structural, functional, and spatial information, amino acid conservation, physicochemical variation, residue mobility, and thermodynamic stability) performed at Invitae indicates that this missense variant is not expected to disrupt PIGN protein function with a negative predictive value of 80%. In summary, the available evidence is currently insufficient to determine the role of this variant in disease. Therefore, it has been classified as a Variant of Uncertain Significance.